The following is an entry in ClinVar:

NM_000038.6(APC):c.592G>A (p.Val198Ile)

Gene: APC (APC regulator of Wnt signaling pathway; plus strand). Cytogenetic location: 5q22.2.
Variant type: single nucleotide variant.
Coding change: c.592G>A on transcript NM_000038.6 (MANE Select); coding-DNA position 592, G replaced by A.
Protein change: p.Val198Ile; replaces valine 198 with isoleucine.
Molecular consequence: missense variant. On other transcripts: 5 prime UTR variant (1).
Genome position (GRCh38, 1-based): chr5:112,780,850, G>A. VCF-style: chr5-112780850-G-A. GRCh37 (hg19) VCF-style: chr5-112116547-G-A.
Other names: c.622G>A, p.Val208Ile (NM_001354897.2, NM_001354902.2, NM_001127511.3); c.517G>A, p.Val173Ile (NM_001354898.2, NM_001354904.2); c.592G>A, p.Val198Ile (NM_001354899.2, NM_001354903.2, NM_001127510.3 and 2 more transcripts); c.415G>A, p.Val139Ile (NM_001354900.2, NM_001354901.2, NM_001354905.2); c.-444G>A (NM_001354906.2); short protein forms V198I, V208I, V173I, V139I.
Identifiers: ClinVar variation 505513 (VCV000505513.19), dbSNP rs1168791940, ClinGen allele CA16022630.

ClinVar aggregate classification (germline): Uncertain significance. Review status: criteria provided, multiple submitters, no conflicts (2 of 4 stars). 3 submissions from 3 submitters: Uncertain significance (3). Last evaluated 2025-04-17.

Conditions:
Hereditary cancer-predisposing syndrome. Also called: Neoplastic Syndromes, Hereditary; Hereditary Cancer Syndrome; Tumor predisposition; Hereditary neoplastic syndrome. Identifiers: Orphanet 140162, MedGen C0027672, MeSH D009386, MONDO:0015356.
Familial adenomatous polyposis 1 (FAP1). Also called: POLYPOSIS, ADENOMATOUS INTESTINAL; FAMILIAL ADENOMATOUS POLYPOSIS 1, ATTENUATED. Identifiers: MedGen C2713442, MONDO:0021056, OMIM 175100. Disease mechanism: loss of function.

Allele frequency attached by ClinVar (database versions not stated): gnomAD exomes 0.00001.
gnomAD v4.1: 3 of 1,613,568 alleles (0.00019%); highest among the groups gnomAD compares: East Asian, 0.0045%; no homozygotes.

Submissions (3):

Labcorp Genetics (formerly Invitae), Labcorp
Classification: Uncertain significance for Familial adenomatous polyposis 1. Last evaluated: 2025-04-17. Review status: criteria provided, single submitter. Criteria: Invitae Variant Classification Sherloc (09022015). Collection method: clinical testing. Allele origin: germline.
Comment: This sequence change replaces valine, which is neutral and non-polar, with isoleucine, which is neutral and non-polar, at codon 198 of the APC protein (p.Val198Ile). This variant is not present in population databases (gnomAD no frequency). This variant has not been reported in the literature in individuals affected with APC-related conditions. ClinVar contains an entry for this variant (Variation ID: 505513). Invitae Evidence Modeling of protein sequence and biophysical properties (such as structural, functional, and spatial information, amino acid conservation, physicochemical variation, residue mobility, and thermodynamic stability) indicates that this missense variant is not expected to disrupt APC protein function with a negative predictive value of 95%. In summary, the available evidence is currently insufficient to determine the role of this variant in disease. Therefore, it has been classified as a Variant of Uncertain Significance.

Ambry Genetics
Classification: Uncertain significance for Hereditary cancer-predisposing syndrome. Last evaluated: 2024-11-27. Review status: criteria provided, single submitter. Criteria: Ambry Variant Classification Scheme 2023. Collection method: clinical testing. Allele origin: germline.
Comment: The p.V198I variant (also known as c.592G>A), located in coding exon 5 of the APC gene, results from a G to A substitution at nucleotide position 592. The valine at codon 198 is replaced by isoleucine, an amino acid with highly similar properties. This alteration was detected in a study of 1,165 individuals with a history of colorectal cancer or colon polyps as well as 590 controls (Gordon AS et al. Am J Hum Genet, 2019 09;105:526-533). Missense alterations in APC are not a common cause of disease (Spier I et al. Genet Med. 2024 Feb;26(2):100992). This amino acid position is not well conserved in available vertebrate species. In addition, in silico predictors for this gene do not accurately predict pathogenicity. Since supporting evidence is limited at this time, the clinical significance of this alteration remains unclear.

Laboratory for Molecular Medicine, Mass General Brigham Personalized Medicine
Classification: Uncertain significance. Last evaluated: 2017-01-12. Review status: criteria provided, single submitter. Criteria: LMM Criteria. Collection method: clinical testing. Allele origin: germline. Observed: 1 variant allele.
Comment: The p.Val198Ile variant in APC has not been previously reported in individuals w ith APC-associated polyposis or in large population studies. Computational predi ction tools and conservation analysis suggest that the p.Val198Ile variant may n ot impact the protein, though this information is not predictive enough to rule out pathogenicity. In summary, the clinical significance of the p.Val198Ile vari ant is uncertain.

Literature cited by the submitters: PubMed 31422818 (cited by Ambry Genetics).